The following is an entry in ClinVar:

ClinVar aggregate classification (germline): Conflicting classifications of pathogenicity. Review status: criteria provided, conflicting classifications (1 of 4 stars). 2 submissions from 2 submitters: Pathogenic (1); Uncertain significance (1). Last evaluated 2023-10-03.

Submissions (2):

Labcorp Genetics (formerly Invitae), Labcorp
Classification: Pathogenic. Last evaluated: 2023-10-03. Review status: criteria provided, single submitter. Criteria: Invitae Variant Classification Sherloc (09022015). Collection method: clinical testing. Allele origin: germline.
Comment: This sequence change replaces glutamine, which is neutral and polar, with proline, which is neutral and non-polar, at codon 180 of the ELOVL4 protein (p.Gln180Pro). This variant is not present in population databases (gnomAD no frequency). This missense change has been observed in individual(s) with clinical features of autosomal dominant spinocerebellar ataxia 34 (PMID: 26258735, 33816655; Invitae). In at least one individual the variant was observed to be de novo. ClinVar contains an entry for this variant (Variation ID: 1303243). An algorithm developed to predict the effect of missense changes on protein structure and function (PolyPhen-2) suggests that this variant is likely to be tolerated. For these reasons, this variant has been classified as Pathogenic.

GeneDx
Classification: Uncertain significance. Last evaluated: 2019-06-27. Review status: criteria provided, single submitter. Criteria: GeneDx Variant Classification Process June 2021. Collection method: clinical testing. Allele origin: germline. Affected: yes.
Comment: Reported in an individual with spinocerebellar ataxia with erythrokeratodermia, but segregation information was not provided for this family (Bourassa et al., 2015); In silico analysis, which includes protein predictors and evolutionary conservation, supports a deleterious effect; Not observed in large population cohorts (Lek et al., 2016); This variant is associated with the following publications: (PMID: 26258735, 31105016)

Literature cited by the submitters: PubMed 26258735 (cited by Labcorp Genetics (formerly Invitae), Labcorp); PubMed 33816655 (cited by Labcorp Genetics (formerly Invitae), Labcorp).

NM_022726.4(ELOVL4):c.539A>C (p.Gln180Pro)

Gene: ELOVL4 (ELOVL fatty acid elongase 4; minus strand). Cytogenetic location: 6q14.1.
Variant type: single nucleotide variant.
Coding change: c.539A>C on transcript NM_022726.4 (MANE Select); coding-DNA position 539, A replaced by C.
Protein change: p.Gln180Pro; replaces glutamine 180 with proline.
Molecular consequence: missense variant.
Genome position (GRCh38, 1-based): chr6:79,921,627, T>G on the plus strand (A>C on the coding strand, the complement: ELOVL4 is on the minus strand). VCF-style: chr6-79921627-T-G. GRCh37 (hg19) VCF-style: chr6-80631344-T-G.
Other names: short protein forms Q180P.
Identifiers: ClinVar variation 1303243 (VCV001303243.6), dbSNP rs2127698493, ClinGen allele CA364656432.
Genomic context (GRCh38, chr6:79,921,627, plus strand): 5'-TTCCACTGAACACATATATGCAATTAAACGCAAGCAGTATATTCCTGAAAATGCTCACCT[T>G]GTCCTCCTGCAACCCACTTAATTCCAATCCACCACAAGGTAAACATCGTACAGTGATGAT-3'
Protein context (NP_073563.1, residues 170-190): WIGIKWVAGG[Gln180Pro]AFFGAQLNSF